The following is an entry in ClinVar:

NM_001243212.2(CCER2):c.368G>T (p.Arg123Leu)

Gene: CCER2 (coiled-coil glutamate rich protein 2; minus strand). Cytogenetic location: 19q13.2.
Variant type: single nucleotide variant.
Coding change: c.368G>T on transcript NM_001243212.2 (MANE Select); coding-DNA position 368, G replaced by T.
Protein change: p.Arg123Leu; replaces arginine 123 with leucine.
Molecular consequence: missense variant.
Genome position (GRCh38, 1-based): chr19:38,910,906, C>A on the plus strand (G>T on the coding strand, the complement: CCER2 is on the minus strand). VCF-style: chr19-38910906-C-A. GRCh37 (hg19) VCF-style: chr19-39401546-C-A.
Other names: short protein forms R123L.
Identifiers: ClinVar variation 4775175 (VCV004775175.1).

ClinVar aggregate classification (germline): Uncertain significance (1 of 4 stars; one submission).

gnomAD v4.1: 20 of 1,515,002 alleles (0.0013%); highest among the groups gnomAD compares: Non-Finnish European, 0.0018%; no homozygotes.

Submission:

Labcorp Genetics (formerly Invitae), Labcorp
Classification: Uncertain significance. Last evaluated: 2025-07-08. Review status: criteria provided, single submitter. Criteria: Invitae Variant Classification Sherloc (09022015). Collection method: clinical testing. Allele origin: germline.
Comment: This sequence change replaces arginine, which is basic and polar, with leucine, which is neutral and non-polar, at codon 123 of the CCER2 protein (p.Arg123Leu). The frequency data for this variant in the population databases is considered unreliable, as metrics indicate poor data quality at this position in the gnomAD database. This variant has not been reported in the literature in individuals affected with CCER2-related conditions. An algorithm developed to predict the effect of missense changes on protein structure and function outputs the following: PolyPhen-2: "Benign". The leucine amino acid residue is found in multiple mammalian species, which suggests that this missense change does not adversely affect protein function. In summary, the available evidence is currently insufficient to determine the role of this variant in disease. Therefore, it has been classified as a Variant of Uncertain Significance.